The following is an entry in ClinVar:

NM_003051.4(SLC16A1):c.*332T>C

Gene: SLC16A1 (solute carrier family 16 member 1; minus strand). Cytogenetic location: 1p13.2.
Variant type: single nucleotide variant.
Coding change: c.*332T>C on transcript NM_003051.4 (MANE Select); 332 bases downstream of the stop codon, T replaced by C.
Molecular consequence: 3 prime UTR variant.
Genome position (GRCh38, 1-based): chr1:112,913,559, A>G on the plus strand (T>C on the coding strand, the complement: SLC16A1 is on the minus strand). VCF-style: chr1-112913559-A-G. GRCh37 (hg19) VCF-style: chr1-113456181-A-G.
Other names: c.*332T>C (NM_001166496.2).
Identifiers: ClinVar variation 875014 (VCV000875014.4), dbSNP rs41306207, ClinGen allele CA29390590.

ClinVar aggregate classification (germline): Likely benign (1 of 4 stars; one submission).

Conditions:
Exercise-induced hyperinsulinism (HHF7). Identifiers: Orphanet 165991, MedGen C1864902, MONDO:0012396, OMIM 610021.

Allele frequency attached by ClinVar (database versions not stated): 1000 Genomes Project 0.00619; 1000 Genomes Project 30x 0.00671; gnomAD 0.01177 and 0.01211; TOPMed 0.01179; gnomAD exomes 0.01190.
gnomAD v4.1: 3,036 of 255,522 alleles (1.2%); highest among the groups gnomAD compares: Non-Finnish European, 1.5%; 25 homozygotes.

Submission:

Illumina Laboratory Services, Illumina
Classification: Likely benign for Exercise-induced hyperinsulinism. Last evaluated: 2018-01-13. Review status: criteria provided, single submitter. Criteria: ICSL Variant Classification Criteria 13 December 2019. Collection method: clinical testing. Allele origin: germline.
Comment: This variant was observed in the ICSL laboratory as part of a predisposition screen in an ostensibly healthy population. It had not been previously curated by ICSL or reported in the Human Gene Mutation Database (HGMD: prior to June 1st, 2018), and was therefore a candidate for classification through an automated scoring system. Utilizing variant allele frequency, disease prevalence and penetrance estimates, and inheritance mode, an automated score was calculated to assess if this variant is too frequent to cause the disease. Based on the score and internal cut-off values, a variant classified as likely benign is not then subjected to further curation. The score for this variant resulted in a classification of likely benign for this disease.